The following is an entry in ClinVar:

NM_004517.4(ILK):c.816G>A (p.Met272Ile)

Genes: ILK (integrin linked kinase; plus strand), TAF10 (TATA-box binding protein associated factor 10; minus strand). Cytogenetic location: 11p15.4.
Variant type: single nucleotide variant.
Coding change: c.816G>A on transcript NM_004517.4 (MANE Select); coding-DNA position 816, G replaced by A.
Protein change: p.Met272Ile; replaces methionine 272 with isoleucine.
Molecular consequence: missense variant. On other transcripts: 3 prime UTR variant (1).
Genome position (GRCh38, 1-based): chr11:6,609,599, G>A. VCF-style: chr11-6609599-G-A. GRCh37 (hg19) VCF-style: chr11-6630830-G-A.
Other names: c.816G>A, p.Met272Ile (NM_001014794.3, NM_001014795.3); c.633G>A, p.Met211Ile (NM_001278441.2); c.414G>A, p.Met138Ile (NM_001278442.2); c.*1323C>T (NM_006284.4); short protein forms M138I, M272I, M211I.
Identifiers: ClinVar variation 1762272 (VCV001762272.2), dbSNP rs1388336535, ClinGen allele CA379462565.

ClinVar aggregate classification (germline): Uncertain significance (1 of 4 stars; one submission).

Allele frequency attached by ClinVar (database versions not stated): gnomAD exomes 0.00001; TOPMed 0.00001.

Submission:

Ambry Genetics
Classification: Uncertain significance. Last evaluated: 2022-05-30. Review status: criteria provided, single submitter. Criteria: Ambry Variant Classification Scheme 2023. Collection method: clinical testing. Allele origin: germline.
Comment: The p.M272I variant (also known as c.816G>A), located in coding exon 8 of the ILK gene, results from a G to A substitution at nucleotide position 816. The methionine at codon 272 is replaced by isoleucine, an amino acid with highly similar properties. This amino acid position is conserved. In addition, this alteration is predicted to be deleterious by in silico analysis. Since supporting evidence is limited at this time, the clinical significance of this alteration remains unclear.